The following is an entry in ClinVar:

ClinVar aggregate classification (germline): Uncertain significance. Review status: criteria provided, multiple submitters, no conflicts (2 of 4 stars). 2 submissions from 2 submitters: Uncertain significance (2). Last evaluated 2025-11-11.

Allele frequency attached by ClinVar (database versions not stated): gnomAD exomes 0.00001; gnomAD 0.00002; TOPMed 0.00002.
gnomAD v4.1: 14 of 1,603,700 alleles (0.00087%); highest among the groups gnomAD compares: Non-Finnish European, 0.0012%; no homozygotes.

Submissions (2):

Ambry Genetics
Classification: Uncertain significance. Last evaluated: 2025-11-11. Review status: criteria provided, single submitter. Criteria: Ambry Variant Classification Scheme 2023. Collection method: clinical testing. Allele origin: germline.

Labcorp Genetics (formerly Invitae), Labcorp
Classification: Uncertain significance. Last evaluated: 2022-12-17. Review status: criteria provided, single submitter. Criteria: Invitae Variant Classification Sherloc (09022015). Collection method: clinical testing. Allele origin: germline.
Comment: This variant is present in population databases (no rsID available, gnomAD 0.002%). This sequence change replaces glutamic acid, which is acidic and polar, with glutamine, which is neutral and polar, at codon 835 of the MKL1 protein (p.Glu835Gln). This variant has not been reported in the literature in individuals affected with MKL1-related conditions. Algorithms developed to predict the effect of missense changes on protein structure and function are either unavailable or do not agree on the potential impact of this missense change (SIFT: "Tolerated"; PolyPhen-2: "Probably Damaging"; Align-GVGD: "Class C0"). In summary, the available evidence is currently insufficient to determine the role of this variant in disease. Therefore, it has been classified as a Variant of Uncertain Significance.

NM_020831.6(MRTFA):c.2803G>C (p.Glu935Gln)

Gene: MRTFA (myocardin related transcription factor A; minus strand). Cytogenetic location: 22q13.1.
Variant type: single nucleotide variant.
Coding change: c.2803G>C on transcript NM_020831.6 (MANE Select); coding-DNA position 2803, G replaced by C.
Protein change: p.Glu935Gln; replaces glutamic acid 935 with glutamine.
Molecular consequence: missense variant. On other transcripts: 3 prime UTR variant (1).
Genome position (GRCh38, 1-based): chr22:40,411,683, C>G on the plus strand (G>C on the coding strand, the complement: MRTFA is on the minus strand). VCF-style: chr22-40411683-C-G. GRCh37 (hg19) VCF-style: chr22-40807687-C-G.
Other names: c.2503G>C, p.Glu835Gln (NM_001282660.2); c.2653G>C, p.Glu885Gln (NM_001282661.3); c.*116G>C (NM_001282662.3); c.2608G>C, p.Glu870Gln (NM_001318139.2); c.2503G>C (NM_020831.3); short protein forms E835Q, E870Q, E885Q, E935Q.
Identifiers: ClinVar variation 2418009 (VCV002418009.7), dbSNP rs1460053590, ClinGen allele CA411652720.